The following is an entry in ClinVar:

ClinVar aggregate classification (germline): Pathogenic (1 of 4 stars; one submission).

Submission:

Labcorp Genetics (formerly Invitae), Labcorp
Classification: Pathogenic. Last evaluated: 2022-01-15. Review status: criteria provided, single submitter. Criteria: Invitae Variant Classification Sherloc (09022015). Collection method: clinical testing. Allele origin: germline.
Comment: This variant disrupts a region of the CTSK protein in which other variant(s) (p.Arg312*) have been determined to be pathogenic (PMID: 24767306; Invitae). This suggests that this is a clinically significant region of the protein, and that variants that disrupt it are likely to be disease-causing. For these reasons, this variant has been classified as Pathogenic. Variants that disrupt the consensus splice site are a relatively common cause of aberrant splicing (PMID: 17576681, 9536098). Algorithms developed to predict the effect of sequence changes on RNA splicing suggest that this variant may disrupt the consensus splice site. This sequence change affects a donor splice site in intron 7 of the CTSK gene. While this variant is not anticipated to result in nonsense mediated decay, it likely alters RNA splicing and results in a disrupted protein product. This variant is not present in population databases (gnomAD no frequency). This variant has not been reported in the literature in individuals affected with CTSK-related conditions.

Literature cited by the submitters: PubMed 24767306; PubMed 17576681; PubMed 9536098.

NM_000396.4(CTSK):c.890+1G>A

Gene: CTSK (cathepsin K; minus strand). Cytogenetic location: 1q21.3.
Variant type: single nucleotide variant.
Coding change: c.890+1G>A on transcript NM_000396.4 (MANE Select); the canonical splice donor site of the intron after coding-DNA position 890, G replaced by A.
Molecular consequence: splice donor variant.
Genome position (GRCh38, 1-based): chr1:150,799,167, C>T on the plus strand (G>A on the coding strand, the complement: CTSK is on the minus strand). VCF-style: chr1-150799167-C-T. GRCh37 (hg19) VCF-style: chr1-150771643-C-T.
Identifiers: ClinVar variation 1923939 (VCV001923939.5), dbSNP rs79972129, ClinGen allele CA342335668.
Genomic context (GRCh38, chr1:150,799,167, plus strand): 5'-GGAGGTGAGGTTGAGTGTTAAAAGGGTGACTGAATAACAAAAGTAGTGTTCCCATCATTA[C>T]CTGTTTTTAATTATCCAGTGCTTGTTTCCCTTCTGGATTCCATATCCCACTGCCAAAACT-3'